The following is an entry in ClinVar:

ClinVar aggregate classification (germline): Conflicting classifications of pathogenicity. Review status: criteria provided, conflicting classifications (1 of 4 stars). 13 submissions from 13 submitters: Uncertain significance (7); Likely benign (5). 1 of the submissions does not count toward it. Last evaluated 2026-01-20.

Conditions:
Hereditary cancer-predisposing syndrome. Also called: Hereditary neoplastic syndrome; Neoplastic Syndromes, Hereditary; Tumor predisposition; Hereditary Cancer Syndrome. Identifiers: Orphanet 140162, MedGen C0027672, MeSH D009386, MONDO:0015356.
Hereditary cancer. Identifiers: MedGen C1333600.
Hereditary breast ovarian cancer syndrome. Also called: Hereditary breast and ovarian cancer syndrome; Hereditary breast and/or ovarian cancer syndrome; BRCA1- and BRCA2-Associated Hereditary Breast and Ovarian Cancer; Hereditary breast and ovarian cancer syndrome (HBOC); Hereditary breast and ovarian cancer; Breast and ovarian cancer. Identifiers: Orphanet 145, MedGen C0677776, MeSH D061325, MONDO:0003582. Disease mechanism: loss of function.
Breast and/or ovarian cancer. Identifiers: MedGen CN221562.
Breast-ovarian cancer, familial, susceptibility to, 2 (BROVCA2). Also called: BRCA2 Hereditary Breast and Ovarian Cancer. Identifiers: Orphanet 145, MedGen C2675520, MONDO:0012933, OMIM 612555. Disease mechanism: loss of function.
Familial cancer of breast. Also called: Hereditary breast cancer; hereditary breast carcinoma; BREAST CANCER, FAMILIAL. Identifiers: Orphanet 227535, MedGen C0346153, MONDO:0016419, OMIM 114480. Disease mechanism: loss of function.

Allele frequency attached by ClinVar (database versions not stated): gnomAD 0.00001; gnomAD exomes 0.00001; TOPMed 0.00001.
gnomAD v4.1: 4 of 1,613,876 alleles (0.00025%); highest among the groups gnomAD compares: Non-Finnish European, 0.00034%; no homozygotes.

Submissions (13):

Women's Health and Genetics/Laboratory Corporation of America, LabCorp
Classification: Uncertain significance. Last evaluated: 2026-01-20. Review status: criteria provided, single submitter. Criteria: LabCorp Variant Classification Summary - May 2015. Collection method: clinical testing. Allele origin: germline.
Comment: Variant summary: BRCA2 c.5885T>C (p.Ile1962Thr) results in a non-conservative amino acid change in the encoded protein sequence. Algorithms developed to predict the effect of missense changes on protein structure and function are either unavailable or do not agree on the potential impact of this missense change. The variant allele was found at a frequency of 8e-06 in 250974 control chromosomes, predominantly at a frequency of 1.8e-05 within the Non-Finnish European subpopulation in the gnomAD database. The available data on variant occurrences in the general population are insufficient to allow any conclusion about variant significance. c.5885T>C has been observed in individuals affected with breast and/or ovarian cancer (e.g. Azzollini_2016, Zuntini_2018, Machackova_2019, Santonocito_2020, Guindalini_2022, de Olivera_2022). These reports do not provide unequivocal conclusions about association of the variant with Hereditary Breast And Ovarian Cancer Syndrome. At least one co-occurrence with a pathogenic variant has been reported (BRCA2 c.8904delC, p.Val2969CysfsX7; UMD database), providing supporting evidence for a benign role. To our knowledge, no experimental evidence demonstrating an impact on protein function has been reported. The following publications have been ascertained in the context of this evaluation (PMID: 30254663, 27062684, 31409081, 32438681, 35264596, 35534704). ClinVar contains an entry for this variant (Variation ID: 409413). Based on the evidence outlined above, the variant was classified as VUS-possibly benign.

Color Diagnostics, LLC DBA Color Health
Classification: Uncertain significance for Hereditary cancer-predisposing syndrome. Last evaluated: 2025-09-10. Review status: criteria provided, single submitter. Criteria: ACMG Guidelines, 2015. Collection method: clinical testing. Allele origin: germline.
Comment: This missense variant replaces isoleucine with threonine at codon 1962 of the BRCA2 protein. Computational prediction suggests that this variant may not impact protein structure and function. To our knowledge, functional studies have not been reported for this variant. This variant has been reported in at least four individuals affected with breast and/or ovarian cancer (PMID: 29684080, 31409081, 32438681, 35150867). In a breast cancer case-control meta-analysis, this variant showed inconclusive association with breast cancer (0/60466 case and 3/53458 controls) (PMID: 33471991Leiden Open Variation Database DB-ID BRCA2_001812). This variant also has been detected in an individual age 70 years or older without cancer (FLOSSIES database). This variant has been identified in 3/282368 chromosomes in the general population by the Genome Aggregation Database (gnomAD). Although there is a suspicion that this variant may not be associated with disease, additional studies are necessary to determine the role of this variant in disease conclusively. Therefore, this variant is classified as a Variant of Uncertain Significance.

Quest Diagnostics Nichols Institute San Juan Capistrano
Classification: Uncertain significance. Last evaluated: 2025-08-29. Review status: criteria provided, single submitter. Criteria: Quest Diagnostics criteria. Collection method: clinical testing. Allele origin: unknown.
Comment: The BRCA2 c.5885T>C (p.Ile1962Thr) variant has been reported in individuals with a personal or family history of breast and/or ovarian cancer (PMID: 35264596 (2022), 32438681 (2020), 31409081 (2019), 29684080 (2018), 30254663 (2018), 27062684 (2016)). This variant has also been identified in reportedly unaffected individuals in a case-control study (PMID: 33471991 (2021), see LOVD). The frequency of this variant in the general population (Genome Aggregation Database) is uninformative in the assessment of its pathogenicity. Analysis of this variant using bioinformatics tools for the prediction of the effect of amino acid changes on protein structure and function yielded predictions that this variant is benign. Based on the available information, we are unable to determine the clinical significance of this variant.

Labcorp Genetics (formerly Invitae), Labcorp
Classification: Likely benign for Hereditary breast ovarian cancer syndrome. Last evaluated: 2025-08-05. Review status: criteria provided, single submitter. Criteria: Invitae Variant Classification Sherloc (09022015). Collection method: clinical testing. Allele origin: germline.

Mendelics
Classification: Likely benign for Hereditary cancer. Last evaluated: 2024-09-11. Review status: criteria provided, single submitter. Criteria: ACMG Guidelines, 2015. Collection method: clinical testing. Allele origin: unknown.
Comment: This variant is considered likely benign or benign based on one or more of the following: it is predicted to be benign by multiple in silico algorithms, and/or has population frequency not consistent with disease, and/or has normal protein function, and/or has lack of segregation with disease, and/or has been detected in co-occurrence with known pathogenic variant, and/or has lack of disease association in case-control studies, and/or is located in a region inconsistent with a known cause of pathogenicity.

ARUP Laboratories, Molecular Genetics and Genomics, ARUP Laboratories
Classification: Likely benign. Last evaluated: 2024-09-09. Review status: criteria provided, single submitter. Criteria: ARUP Molecular Germline Variant Investigation Process 2024. Collection method: clinical testing. Allele origin: germline.

All of Us Research Program, National Institutes of Health
Classification: Uncertain significance for Breast-ovarian cancer, familial, susceptibility to, 2. Last evaluated: 2023-08-23. Review status: criteria provided, single submitter. Criteria: ACMG Guidelines, 2015. Collection method: clinical testing. Allele origin: germline. Inheritance: Autosomal dominant inheritance. Observed: 1 variant allele, 1 heterozygote.
Comment: This missense variant replaces isoleucine with threonine at codon 1962 of the BRCA2 protein. Computational prediction suggests that this variant may not impact protein structure and function (internally defined REVEL score threshold <= 0.5, PMID: 27666373). To our knowledge, functional studies have not been reported for this variant. This variant has been reported in at least four individuals affected with breast and/or ovarian cancer (PMID: 29684080, 31409081, 32438681, 35150867). In a breast cancer case-control meta-analysis, this variant showed inconclusive association with breast cancer (0/60466 case and 3/53458 controls) (PMID: 33471991; Leiden Open Variation Database DB-ID BRCA2_001812). This variant also has been detected in an individual age 70 years or older without cancer (FLOSSIES database). This variant has been identified in 3/282368 chromosomes in the general population by the Genome Aggregation Database (gnomAD). The available evidence is insufficient to determine the role of this variant in disease conclusively. Therefore, this variant is classified as a Variant of Uncertain Significance.

This study involves interpretation of variants in research participants for the purpose of population health screening. Participant phenotype was not available at the time of variant classification. Additional details can be found in publication PMID: 35346344, PMCID: PMC8962531

University of Washington Department of Laboratory Medicine, University of Washington
Classification: Likely benign for Hereditary cancer-predisposing syndrome. Last evaluated: 2023-03-23. Review status: criteria provided, single submitter. Criteria: Dines et al. (Genet Med. 2020). Collection method: curation. Allele origin: germline.
Comment: Missense variant in a coldspot region where missense variants are very unlikely to be pathogenic (PMID:31911673).

BRCA2 exon 11 coldspot. Reclassification based on statistical prior probability.

Department of Pathology and Laboratory Medicine, Sinai Health System
Classification: Uncertain significance for Familial cancer of breast; Breast-ovarian cancer, familial, susceptibility to, 2. Last evaluated: 2022-05-18. Review status: criteria provided, single submitter. Criteria: ACMG Guidelines, 2015. Collection method: clinical testing. Allele origin: germline. Affected: yes.

CHEO Genetics Diagnostic Laboratory, Children's Hospital of Eastern Ontario
Classification: Uncertain significance for Breast and/or ovarian cancer. Last evaluated: 2021-06-08. Review status: criteria provided, single submitter. Criteria: ACMG Guidelines, 2015. Collection method: clinical testing. Allele origin: germline. Study: Canadian Open Genetics Repository.

Ambry Genetics
Classification: Likely benign for Hereditary cancer-predisposing syndrome. Last evaluated: 2018-02-27. Review status: criteria provided, single submitter. Criteria: Ambry Variant Classification Scheme 2023. Collection method: clinical testing. Allele origin: germline.

Genetic Services Laboratory, University of Chicago
Classification: Uncertain significance. Last evaluated: 2017-02-02. Review status: criteria provided, single submitter. Criteria: ACMG Guidelines, 2015. Collection method: clinical testing. Allele origin: germline. Affected: no.

Department of Medical and Surgical Sciences, University of Bologna
Classification: Likely benign for Breast-ovarian cancer, familial, susceptibility to, 2. Last evaluated: 2023-09-01. Review status: no assertion criteria provided. Collection method: clinical testing. Allele origin: germline. Affected: yes. Not counted in ClinVar's aggregate classification.
Comment: BP1(Strong) according to ACMG/AMP classification guidelines specified for BRCA1 & BRCA2 (Classification Criteria V1.0.0 2023-09-08) (PMID: 38160042)

Literature cited by the submitters: PubMed 30254663 (cited by Women's Health and Genetics/Laboratory Corporation of America, LabCorp and Quest Diagnostics Nichols Institute San Juan Capistrano); PubMed 27062684 (cited by 3 submitters); PubMed 31409081 (cited by 4 submitters); PubMed 32438681 (cited by 5 submitters); PubMed 35264596 (cited by Women's Health and Genetics/Laboratory Corporation of America, LabCorp and Quest Diagnostics Nichols Institute San Juan Capistrano); PubMed 35534704 (cited by Women's Health and Genetics/Laboratory Corporation of America, LabCorp and Quest Diagnostics Nichols Institute San Juan Capistrano); PubMed 29684080 (cited by 3 submitters); PubMed 33471991 (cited by 3 submitters); PubMed 35150867 (cited by Color Diagnostics, LLC DBA Color Health and All of Us Research Program, National Institutes of Health).

NM_000059.4(BRCA2):c.5885T>C (p.Ile1962Thr)

Gene: BRCA2 (BRCA2 DNA repair associated; plus strand). Cytogenetic location: 13q13.1.
Variant type: single nucleotide variant.
Coding change: c.5885T>C on transcript NM_000059.4 (MANE Select); coding-DNA position 5885, T replaced by C.
Protein change: p.Ile1962Thr; replaces isoleucine 1962 with threonine.
Molecular consequence: missense variant.
Genome position (GRCh38, 1-based): chr13:32,340,240, T>C. VCF-style: chr13-32340240-T-C. GRCh37 (hg19) VCF-style: chr13-32914377-T-C.
Other names: short protein forms I1962T.
Identifiers: ClinVar variation 409413 (VCV000409413.43), dbSNP rs1060502377, ClinGen allele CA16613899.